The following is an entry in ClinVar:

NM_001170629.2(CHD8):c.2279C>T (p.Thr760Ile)

Gene: CHD8 (chromodomain helicase DNA binding protein 8; minus strand). Cytogenetic location: 14q11.2.
Variant type: single nucleotide variant.
Coding change: c.2279C>T on transcript NM_001170629.2 (MANE Select); coding-DNA position 2279, C replaced by T.
Protein change: p.Thr760Ile; replaces threonine 760 with isoleucine.
Molecular consequence: missense variant.
Genome position (GRCh38, 1-based): chr14:21,409,936, G>A on the plus strand (C>T on the coding strand, the complement: CHD8 is on the minus strand). VCF-style: chr14-21409936-G-A. GRCh37 (hg19) VCF-style: chr14-21878095-G-A.
Other names: c.1442C>T, p.Thr481Ile (NM_020920.4); short protein forms T481I, T760I.
Identifiers: ClinVar variation 3492093 (VCV003492093.2).

ClinVar aggregate classification (germline): Likely pathogenic (1 of 4 stars; one submission).

Conditions:
Inborn genetic diseases. Identifiers: MedGen C0950123, MeSH D030342.

Submission:

Ambry Genetics
Classification: Likely pathogenic for Inborn genetic diseases. Last evaluated: 2024-12-23. Review status: criteria provided, single submitter. Criteria: Ambry Variant Classification Scheme 2023. Collection method: clinical testing. Allele origin: germline.
Comment: The c.2279C>T (p.T760I) alteration is located in exon 10 (coding exon 10) of the CHD8 gene. This alteration results from a C to T substitution at nucleotide position 2279, causing the threonine (T) at amino acid position 760 to be replaced by an isoleucine (I). This variant was not reported in population-based cohorts in the Genome Aggregation Database (gnomAD). This amino acid position is highly conserved in available vertebrate species. This missense alteration is located in a region that has a low rate of benign missense variation (Lek, 2016; Firth, 2009). This alteration is predicted to be deleterious by in silico analysis. Based on the available evidence, this alteration is classified as likely pathogenic.